The following is an entry in ClinVar:

ClinVar aggregate classification (germline): Uncertain significance (1 of 4 stars; one submission).

Submission:

GeneDx
Classification: Uncertain significance. Last evaluated: 2019-11-12. Review status: criteria provided, single submitter. Criteria: GeneDx Variant Classification Process June 2021. Collection method: clinical testing. Allele origin: germline. Affected: yes.
Comment: Not observed in large population cohorts (Lek et al., 2016); Frameshift variant predicted to result in protein truncation as the last 68 amino acids are lost and replaced with 113 incorrect amino acids, although loss-of-function variants have not been reported downstream of this position in the protein; Has not been previously published as pathogenic or benign to our knowledge

NM_012199.5(AGO1):c.2368del (p.Arg790fs)

Gene: AGO1 (argonaute RISC component 1; plus strand). Cytogenetic location: 1p34.3.
Variant type: Deletion.
Coding change: c.2368del on transcript NM_012199.5 (MANE Select); coding-DNA position 2368, one base deleted (C; older notation c.2368delC).
Protein change: p.Arg790fs; shifts the reading frame from arginine 790.
Molecular consequence: frameshift variant.
Genome position (GRCh38, 1-based): chr1:35,919,157, C deleted. VCF-style (leftmost placement, unchanged base first): chr1-35919156-AC-A. GRCh37 (hg19) VCF-style: chr1-36384757-AC-A.
Other names: c.2368del, p.Arg790fs (NM_001317122.2); c.2143del, p.Arg715fs (NM_001317123.2); short protein forms R715fs, R790fs.
Identifiers: ClinVar variation 1309934 (VCV001309934.2), dbSNP rs1316031798, ClinGen allele CA522355259.